The following is an entry in ClinVar:

ClinVar aggregate classification (germline): Benign (0 of 4 stars; one submission).

Conditions:
RNPC3-related disorder. Also called: RNPC3-related condition.

Allele frequency attached by ClinVar (database versions not stated): ExAC 0.00020; 1000 Genomes Project 30x 0.00109; 1000 Genomes Project 0.00120; TOPMed 0.00128.
gnomAD v4.1: 490 of 1,543,924 alleles (0.032%); highest among the groups gnomAD compares: Admixed American, 0.93%; 5 homozygotes.

Submission:

PreventionGenetics, part of Exact Sciences
Classification: Benign for RNPC3-related condition. Last evaluated: 2020-09-15. Review status: no assertion criteria provided. Collection method: clinical testing. Allele origin: germline.
Comment: This variant is classified as benign based on ACMG/AMP sequence variant interpretation guidelines (Richards et al. 2015 PMID: 25741868, with internal and published modifications).

NM_017619.4(RNPC3):c.180T>A (p.Asp60Glu)

Gene: RNPC3 (RNA binding region (RNP1, RRM) containing 3; plus strand). Cytogenetic location: 1p21.1.
Variant type: single nucleotide variant.
Coding change: c.180T>A on transcript NM_017619.4 (MANE Select); coding-DNA position 180, T replaced by A.
Protein change: p.Asp60Glu; replaces aspartic acid 60 with glutamic acid.
Molecular consequence: missense variant.
Genome position (GRCh38, 1-based): chr1:103,526,250, T>A. VCF-style: chr1-103526250-T-A. GRCh37 (hg19) VCF-style: chr1-104068872-T-A.
Other names: short protein forms D60E.
Identifiers: ClinVar variation 3033977 (VCV003033977.2), dbSNP rs192837663, ClinGen allele CA975622.
Genomic context (GRCh38, chr1:103,526,250, plus strand): 5'-TGAGGAGAAAGAGGACTTGCTGAAGTACTTCGGGGCTCAGTCTGTGCGGGTCCTGTCAGA[T>A]AAGGGGCGACTGGTAAGGGCGCGCCCCTCCGGAGTCTCCCGGGAAGGCATTTGGGAAGTG-3'
Protein context (NP_060089.1, residues 50-70): FGAQSVRVLS[Asp60Glu]KGRLKHTAFA